The following is an entry in ClinVar:

NM_152381.6(XIRP2):c.7793T>G (p.Leu2598Arg)

Gene: XIRP2 (xin actin binding repeat containing 2; plus strand). Cytogenetic location: 2q24.3.
Variant type: single nucleotide variant.
Coding change: c.7793T>G on transcript NM_152381.6 (MANE Select); coding-DNA position 7793, T replaced by G.
Protein change: p.Leu2598Arg; replaces leucine 2598 with arginine.
Molecular consequence: missense variant. On other transcripts: intron variant (3).
Genome position (GRCh38, 1-based): chr2:167,249,185, T>G. VCF-style: chr2-167249185-T-G. GRCh37 (hg19) VCF-style: chr2-168105695-T-G.
Other names: c.7127T>G, p.Leu2376Arg (NM_001199144.2); c.1276-4847T>G (NM_001199143.2); c.1177-4847T>G (NM_001079810.4); c.511-4847T>G (NM_001199145.2); short protein forms L2376R, L2598R.
Identifiers: ClinVar variation 3041969 (VCV003041969.2), dbSNP rs16853326, ClinGen allele CA1947692.

ClinVar aggregate classification (germline): Benign (0 of 4 stars; one submission).

Conditions:
XIRP2-related disorder. Also called: XIRP2-related condition.

Allele frequency attached by ClinVar (database versions not stated): ESP Exome Variant Server 0.01823; TOPMed 0.01994; ExAC 0.02249; 1000 Genomes Project 0.02556; 1000 Genomes Project 30x 0.02577.
gnomAD v4.1: 28,806 of 1,613,660 alleles (1.8%); highest among the groups gnomAD compares: Middle Eastern, 6.6%; 506 homozygotes.

Submission:

PreventionGenetics, part of Exact Sciences
Classification: Benign for XIRP2-related condition. Last evaluated: 2019-03-01. Review status: no assertion criteria provided. Collection method: clinical testing. Allele origin: germline.
Comment: This variant is classified as benign based on ACMG/AMP sequence variant interpretation guidelines (Richards et al. 2015 PMID: 25741868, with internal and published modifications).